The following is an entry in ClinVar:

NM_004525.3(LRP2):c.9363C>T (p.Gly3121=)

Gene: LRP2 (LDL receptor related protein 2; minus strand). Cytogenetic location: 2q31.1.
Variant type: single nucleotide variant.
Coding change: c.9363C>T on transcript NM_004525.3 (MANE Select); coding-DNA position 9363, C replaced by T.
Protein change: p.Gly3121=; no amino-acid change (glycine 3121 retained).
Molecular consequence: synonymous variant.
Genome position (GRCh38, 1-based): chr2:169,185,985, G>A on the plus strand (C>T on the coding strand, the complement: LRP2 is on the minus strand). VCF-style: chr2-169185985-G-A. GRCh37 (hg19) VCF-style: chr2-170042495-G-A.
Identifiers: ClinVar variation 332112 (VCV000332112.57), dbSNP rs146783211, ClinGen allele CA1953587.
Genomic context (GRCh38, chr2:169,185,985, plus strand): 5'-GTAACCAGGACGACAGGAACAATAGAAACTGGTTAAGGTGTCTGTGCAGTTGTGATCGCA[G>A]CCACTGATTGAAGGGTCATGGCATTCATTAATGCCTGTAGGTAAAAAGCAGTTCTTAGAG-3'
Protein context (NP_004516.2, residues 3111-3131): INECHDPSIS[Gly3121=]CDHNCTDTLT

ClinVar aggregate classification (germline): Conflicting classifications of pathogenicity. Review status: criteria provided, conflicting classifications (1 of 4 stars). 7 submissions from 7 submitters: Uncertain significance (1); Likely benign (4). 2 of the submissions do not count toward it. Last evaluated 2026-02-02.

Conditions:
Donnai-Barrow syndrome. Also called: DBS/FOAR SYNDROME; FACIOOCULOACOUSTICORENAL SYNDROME. Identifiers: Orphanet 2143, MedGen C1857277, MONDO:0009104, OMIM 222448.

Allele frequency attached by ClinVar (database versions not stated): 1000 Genomes Project 30x 0.00016; 1000 Genomes Project 0.00020; ESP Exome Variant Server 0.00031; TOPMed 0.00036; gnomAD 0.00038 and 0.00039; gnomAD exomes 0.00048 and 0.00050; ExAC 0.00058.
gnomAD v4.1: 767 of 1,613,852 alleles (0.048%); highest among the groups gnomAD compares: Non-Finnish European, 0.058%; no homozygotes.

Submissions (7):

Labcorp Genetics (formerly Invitae), Labcorp
Classification: Likely benign. Last evaluated: 2026-02-02. Review status: criteria provided, single submitter. Criteria: Invitae Variant Classification Sherloc (09022015). Collection method: clinical testing. Allele origin: germline.

Blueprint Genetics
Classification: Likely benign. Last evaluated: 2024-08-29. Review status: criteria provided, single submitter. Criteria: ACMG Guidelines, 2015. Collection method: clinical testing. Allele origin: germline.

CeGaT Center for Human Genetics Tuebingen
Classification: Likely benign. Last evaluated: 2023-10-01. Review status: criteria provided, single submitter. Criteria: CeGaT Center For Human Genetics Tuebingen Variant Classification Criteria Version 2. Collection method: clinical testing. Allele origin: germline. Affected: yes. Observed: 3 variant alleles.
Comment: LRP2: BP4, BP7

Genome-Nilou Lab
Classification: Likely benign for Donnai-Barrow syndrome. Last evaluated: 2021-07-15. Review status: criteria provided, single submitter. Criteria: ACMG Guidelines, 2015. Collection method: clinical testing. Allele origin: germline. Affected: no.

Illumina Laboratory Services, Illumina
Classification: Uncertain significance for Donnai-Barrow syndrome. Last evaluated: 2018-01-13. Review status: criteria provided, single submitter. Criteria: ICSL Variant Classification Criteria 13 December 2019. Collection method: clinical testing. Allele origin: germline.

Clinical Genetics DNA and cytogenetics Diagnostics Lab, Erasmus MC, Erasmus Medical Center
Classification: Likely benign. Review status: no assertion criteria provided. Collection method: clinical testing. Allele origin: germline. Affected: yes. Study: VKGL Data-share Consensus. Not counted in ClinVar's aggregate classification.

Diagnostic Laboratory, Department of Genetics, University Medical Center Groningen
Classification: Likely benign. Review status: no assertion criteria provided. Collection method: clinical testing. Allele origin: germline. Affected: yes. Study: VKGL Data-share Consensus. Not counted in ClinVar's aggregate classification.